The following is an entry in ClinVar:

NM_000632.4(ITGAM):c.2177T>C (p.Val726Ala)

Gene: ITGAM (integrin subunit alpha M; plus strand). Cytogenetic location: 16p11.2.
Variant type: single nucleotide variant.
Coding change: c.2177T>C on transcript NM_000632.4 (MANE Select); coding-DNA position 2177, T replaced by C.
Protein change: p.Val726Ala; replaces valine 726 with alanine.
Molecular consequence: missense variant.
Genome position (GRCh38, 1-based): chr16:31,324,670, T>C. VCF-style: chr16-31324670-T-C. GRCh37 (hg19) VCF-style: chr16-31335991-T-C.
Other names: c.2180T>C, p.Val727Ala (NM_001145808.2); short protein forms V726A, V727A.
Identifiers: ClinVar variation 4808073 (VCV004808073.1).

ClinVar aggregate classification (germline): Uncertain significance (1 of 4 stars; one submission).

Submission:

Labcorp Genetics (formerly Invitae), Labcorp
Classification: Uncertain significance. Last evaluated: 2025-03-28. Review status: criteria provided, single submitter. Criteria: Invitae Variant Classification Sherloc (09022015). Collection method: clinical testing. Allele origin: germline.
Comment: This sequence change replaces valine, which is neutral and non-polar, with alanine, which is neutral and non-polar, at codon 726 of the ITGAM protein (p.Val726Ala). This variant is not present in population databases (gnomAD no frequency). This variant has not been reported in the literature in individuals affected with ITGAM-related conditions. An algorithm developed to predict the effect of missense changes on protein structure and function (PolyPhen-2) suggests that this variant is likely to be disruptive. In summary, the available evidence is currently insufficient to determine the role of this variant in disease. Therefore, it has been classified as a Variant of Uncertain Significance.